The following is an entry in ClinVar:

NM_032806.6(POMGNT2):c.377A>G (p.Asn126Ser)

Gene: POMGNT2 (protein O-linked mannose N-acetylglucosaminyltransferase 2 (beta 1,4-); minus strand). Cytogenetic location: 3p22.1.
Variant type: single nucleotide variant.
Coding change: c.377A>G on transcript NM_032806.6 (MANE Select); coding-DNA position 377, A replaced by G.
Protein change: p.Asn126Ser; replaces asparagine 126 with serine.
Molecular consequence: missense variant.
Genome position (GRCh38, 1-based): chr3:43,081,055, T>C on the plus strand (A>G on the coding strand, the complement: POMGNT2 is on the minus strand). VCF-style: chr3-43081055-T-C. GRCh37 (hg19) VCF-style: chr3-43122547-T-C.
Other names: c.377A>G (NM_032806.4); short protein forms N126S.
Identifiers: ClinVar variation 540489 (VCV000540489.7), dbSNP rs750654109, ClinGen allele CA2340097.
Genomic context (GRCh38, chr3:43,081,055, plus strand): 5'-GGCTTGGGCATGAAGCGCAGGGCAGCAGCAGGCAGCTCCACGAAGTTGAAGTACTGAGTG[T>C]TGTGGTCCTCCACGGTGGATAGGTCGAGCAGGGCTGGCTGGAAGCGCCGGGAGCCCAGGT-3'
Protein context (NP_116195.2, residues 116-136): LLDLSTVEDH[Asn126Ser]TQYFNFVELP

ClinVar aggregate classification (germline): Uncertain significance. Review status: criteria provided, multiple submitters, no conflicts (2 of 4 stars). 2 submissions from 2 submitters: Uncertain significance (2). Last evaluated 2025-04-01.

Conditions:
Muscular dystrophy-dystroglycanopathy (congenital with brain and eye anomalies), type a, 8 (MDDGA8). Also called: WALKER-WARBURG SYNDROME OR MUSCLE-EYE-BRAIN DISEASE, GTDC2-RELATED. Identifiers: Orphanet 899, MedGen C3553813, MONDO:0013904, OMIM 614830.
Muscular dystrophy-dystroglycanopathy (limb-girdle), type C, 8. Also called: MUSCULAR DYSTROPHY, LIMB-GIRDLE, AUTOSOMAL RECESSIVE 24; MUSCULAR DYSTROPHY-DYSTROGLYCANOPATHY, LIMB-GIRDLE, POMGNT2-RELATED. Identifiers: MedGen C4748320, MONDO:0029135, OMIM 618135.
Inborn genetic diseases. Identifiers: MedGen C0950123, MeSH D030342.

Allele frequency attached by ClinVar (database versions not stated): gnomAD 0.00006 and 0.00005; gnomAD exomes 0.00003 and 0.00004; TOPMed 0.00006; ExAC 0.00003.

Submissions (2):

Ambry Genetics
Classification: Uncertain significance for Inborn genetic diseases. Last evaluated: 2025-04-01. Review status: criteria provided, single submitter. Criteria: Ambry Variant Classification Scheme 2023. Collection method: clinical testing. Allele origin: germline.

Labcorp Genetics (formerly Invitae), Labcorp
Classification: Uncertain significance for Muscular dystrophy-dystroglycanopathy (congenital with brain and eye anomalies), type a, 8. Last evaluated: 2024-06-07. Review status: criteria provided, single submitter. Criteria: Invitae Variant Classification Sherloc (09022015). Collection method: clinical testing. Allele origin: germline.
Comment: This sequence change replaces asparagine, which is neutral and polar, with serine, which is neutral and polar, at codon 126 of the POMGNT2 protein (p.Asn126Ser). This variant is present in population databases (rs750654109, gnomAD 0.005%). This variant has not been reported in the literature in individuals affected with POMGNT2-related conditions. ClinVar contains an entry for this variant (Variation ID: 540489). Advanced modeling of protein sequence and biophysical properties (such as structural, functional, and spatial information, amino acid conservation, physicochemical variation, residue mobility, and thermodynamic stability) performed at Invitae indicates that this missense variant is not expected to disrupt POMGNT2 protein function with a negative predictive value of 80%. In summary, the available evidence is currently insufficient to determine the role of this variant in disease. Therefore, it has been classified as a Variant of Uncertain Significance.